The following is an entry in ClinVar:

NM_005219.5(DIAPH1):c.3758A>G (p.Asn1253Ser)

Gene: DIAPH1 (diaphanous related formin 1; minus strand). Cytogenetic location: 5q31.3.
Variant type: single nucleotide variant.
Coding change: c.3758A>G on transcript NM_005219.5 (MANE Select); coding-DNA position 3758, A replaced by G.
Protein change: p.Asn1253Ser; replaces asparagine 1253 with serine.
Molecular consequence: missense variant. On other transcripts: 3 prime UTR variant (1).
Genome position (GRCh38, 1-based): chr5:141,516,912, T>C on the plus strand (A>G on the coding strand, the complement: DIAPH1 is on the minus strand). VCF-style: chr5-141516912-T-C. GRCh37 (hg19) VCF-style: chr5-140896479-T-C.
Other names: c.3731A>G, p.Asn1244Ser (NM_001079812.3); c.*58A>G (NM_001314007.2); short protein forms N1253S, N1244S.
Identifiers: ClinVar variation 1035998 (VCV001035998.9), dbSNP rs748341361, ClinGen allele CA3478664.
Genomic context (GRCh38, chr5:141,516,912, plus strand): 5'-TAGCTTGCACGGCCAACCAACTCCTTGGCTTCCTCAAGGATTGTGGGGAATGTCTCACTG[T>C]TCTTGGACACCTTGGCAGGAACAGCAGCCATGGCATCATCCTTGGTCAGCTCCGAAGCTA-3'
Protein context (NP_005210.3, residues 1243-1263): MAAVPAKVSK[Asn1253Ser]SETFPTILEE

ClinVar aggregate classification (germline): Uncertain significance (1 of 4 stars; one submission).

Conditions:
Autosomal dominant nonsyndromic hearing loss 1. Also called: KONIGSMARK SYNDROME; DEAFNESS, AUTOSOMAL DOMINANT 1, WITH OR WITHOUT THROMBOCYTOPENIA. Identifiers: Orphanet 90635, MedGen C1852282, MONDO:0007424, OMIM 124900.
Progressive microcephaly-seizures-cortical blindness-developmental delay syndrome. Also called: Seizures, cortical blindness, and microcephaly syndrome. Identifiers: Orphanet 477814, MedGen C5567650, MONDO:0014714, OMIM 616632.

Allele frequency attached by ClinVar (database versions not stated): gnomAD exomes below 0.00001 and 0.00001; ExAC 0.00001; gnomAD 0.00001; TOPMed 0.00002.
gnomAD v4.1: 9 of 1,614,116 alleles (0.00056%); highest among the groups gnomAD compares: African/African-American, 0.012%; no homozygotes.

Submission:

Labcorp Genetics (formerly Invitae), Labcorp
Classification: Uncertain significance for Progressive microcephaly-seizures-cortical blindness-developmental delay syndrome; Autosomal dominant nonsyndromic hearing loss 1. Last evaluated: 2024-09-03. Review status: criteria provided, single submitter. Criteria: Invitae Variant Classification Sherloc (09022015). Collection method: clinical testing. Allele origin: germline.
Comment: This sequence change replaces asparagine, which is neutral and polar, with serine, which is neutral and polar, at codon 1253 of the DIAPH1 protein (p.Asn1253Ser). This variant is present in population databases (rs748341361, gnomAD 0.01%). This variant has not been reported in the literature in individuals affected with DIAPH1-related conditions. ClinVar contains an entry for this variant (Variation ID: 1035998). An algorithm developed to predict the effect of missense changes on protein structure and function outputs the following: PolyPhen-2: "Benign". The serine amino acid residue is found in multiple mammalian species, which suggests that this missense change does not adversely affect protein function. In summary, the available evidence is currently insufficient to determine the role of this variant in disease. Therefore, it has been classified as a Variant of Uncertain Significance.